The following is an entry in ClinVar:

NM_018406.7(MUC4):c.8163T>G (p.Leu2721=)

Gene: MUC4 (mucin 4, cell surface associated). Cytogenetic location: 3q29.
Variant type: single nucleotide variant.
Coding change: c.8163T>G on transcript NM_018406.7 (MANE Select); coding-DNA position 8163, T replaced by G.
Protein change: p.Leu2721=; no amino-acid change (leucine 2721 retained).
Molecular consequence: synonymous variant. On other transcripts: genic upstream transcript variant (2).
Genome position (GRCh38, 1-based): chr3:195,783,417, A>C on the plus strand (T>G on the coding strand, the complement: MUC4 is on the minus strand). VCF-style: chr3-195783417-A-C. GRCh37 (hg19) VCF-style: chr3-195510288-A-C.
Other names: c.11826T>G, p.Leu3942= (NM_001322468.1); c.83-9112T>G (NM_138297.5); c.83-4962T>G (NM_004532.6).
Identifiers: ClinVar variation 2654454 (VCV002654454.24), dbSNP rs1729441916, ClinGen allele CA438039077.

ClinVar aggregate classification (germline): Likely benign (1 of 4 stars; one submission).

Submission:

CeGaT Center for Human Genetics Tuebingen
Classification: Likely benign. Last evaluated: 2022-07-01. Review status: criteria provided, single submitter. Criteria: CeGaT Center For Human Genetics Tuebingen Variant Classification Criteria Version 2. Collection method: clinical testing. Allele origin: germline. Affected: yes. Observed: 1 variant allele.
Comment: MUC4: PM2:Supporting, BP4, BP7